The following is an entry in ClinVar:

ClinVar aggregate classification (germline): Likely benign (1 of 4 stars; one submission).

gnomAD v4.1: 7 of 1,568,326 alleles (0.00045%); highest among the groups gnomAD compares: South Asian, 0.0035%; 1 homozygote.

Submission:

CeGaT Center for Human Genetics Tuebingen
Classification: Likely benign. Last evaluated: 2022-06-01. Review status: criteria provided, single submitter. Criteria: CeGaT Center For Human Genetics Tuebingen Variant Classification Criteria Version 2. Collection method: clinical testing. Allele origin: germline. Affected: yes. Observed: 1 variant allele.
Comment: PRX: BP4, BP7

NM_181882.3(PRX):c.156C>A (p.Pro52=)

Genes: PRX (periaxin; minus strand), LOC130064454 (ATAC-STARR-seq lymphoblastoid active region 14650; plus strand). Cytogenetic location: 19q13.2.
Variant type: single nucleotide variant.
Coding change: c.156C>A on transcript NM_181882.3 (MANE Select); coding-DNA position 156, C replaced by A.
Protein change: p.Pro52=; no amino-acid change (proline 52 retained).
Molecular consequence: synonymous variant.
Genome position (GRCh38, 1-based): chr19:40,403,734, G>T on the plus strand (C>A on the coding strand, the complement: PRX is on the minus strand). VCF-style: chr19-40403734-G-T. GRCh37 (hg19) VCF-style: chr19-40909641-G-T.
Other names: c.441C>A, p.Pro147= (NM_001411127.1); c.156C>A, p.Pro52= (NM_020956.2).
Identifiers: ClinVar variation 1694915 (VCV001694915.31), dbSNP rs761243357, ClinGen allele CA9444572.
Genomic context (GRCh38, chr19:40,403,734, plus strand): 5'-TCGACCCCGCCCCACACCCCGGGCCCGCCCACCTTCCTGCAGGCTGAGGCTCCTGGCGGC[G>T]GGTGAGTCCTCGCGCAGCTCCCGAACGAAGATTCCCTCTTTGCCGCCGCCCGCTACGTTG-3'
Protein context (NP_870998.2, residues 42-62): IFVRELREDS[Pro52=]AARSLSLQEG